The following is an entry in ClinVar:

NM_000535.7(PMS2):c.538-1G>A

Gene: PMS2 (PMS1 homolog 2, mismatch repair system component; minus strand). Cytogenetic location: 7p22.1.
Variant type: single nucleotide variant.
Coding change: c.538-1G>A on transcript NM_000535.7 (MANE Select); the canonical splice acceptor site of the intron before coding-DNA position 538, G replaced by A.
Molecular consequence: splice acceptor variant. On other transcripts: intron variant (9).
Genome position (GRCh38, 1-based): chr7:5,999,276, C>T on the plus strand (G>A on the coding strand, the complement: PMS2 is on the minus strand). VCF-style: chr7-5999276-C-T. GRCh37 (hg19) VCF-style: chr7-6038907-C-T.
Other names: c.133-1G>A (NM_001406887.1, NM_001406896.1, NM_001406907.1 and 21 more transcripts); c.229-1G>A (NM_001322015.2, NM_001406900.1, NM_001406880.1 and 6 more transcripts); c.251-50G>A (NM_001406885.1); c.220-1G>A (NM_001406901.1, NM_001406903.1, NM_001322007.2 and 4 more transcripts); c.133-1853G>A (NM_001406909.1, NM_001322013.2); c.537+3177G>A (NM_001406886.1); c.538-1853G>A (NM_001406884.1, NM_001406874.1); c.-347-50G>A (NM_001322011.2, NM_001322012.2); and 4 more.
Identifiers: ClinVar variation 948334 (VCV000948334.34), dbSNP rs988423880, ClinGen allele CA366744139.

ClinVar aggregate classification (germline): Pathogenic/Likely pathogenic. Review status: criteria provided, multiple submitters, no conflicts (2 of 4 stars). 6 submissions from 6 submitters: Pathogenic (1); Likely pathogenic (5). Last evaluated 2025-01-15.

Conditions:
Hereditary nonpolyposis colorectal neoplasms. Identifiers: MedGen C0009405, MeSH D003123.
Hereditary cancer-predisposing syndrome. Also called: Neoplastic Syndromes, Hereditary; Tumor predisposition; Hereditary neoplastic syndrome; Hereditary Cancer Syndrome. Identifiers: Orphanet 140162, MedGen C0027672, MeSH D009386, MONDO:0015356.
Lynch syndrome 4 (LYNCH4). Also called: Hereditary non-polyposis colorectal cancer, type 4; Colorectal cancer, hereditary nonpolyposis, type 4. Identifiers: Orphanet 144, MedGen C1838333, MONDO:0013699, OMIM 614337. Disease mechanism: loss of function.

Submissions (6):

Ambry Genetics
Classification: Likely pathogenic for Hereditary cancer-predisposing syndrome. Last evaluated: 2025-01-15. Review status: criteria provided, single submitter. Criteria: Ambry Variant Classification Scheme 2023. Collection method: clinical testing. Allele origin: germline.
Comment: The c.538-1G>A intronic variant results from a G to A substitution one nucleotide before coding exon 6 of the PMS2 gene. Alterations that disrupt the canonical splice site are expected to result in aberrant splicing. A resulting transcript is predicted to be in-frame and is not expected to trigger nonsense-mediated mRNAdecay, although direct evidence is unavailable. However, the region predicted to be impacted is critical for protein function and a significant portion of the protein is affected (Ambry internal data). This variant was not reported in population-based cohorts in the Genome Aggregation Database (gnomAD). This nucleotide position is highly conserved in available vertebrate species. In silico splice site analysis predicts that this alteration will weaken the native splice acceptor site. Based on the available evidence, this alteration is classified as likely pathogenic.

CeGaT Center for Human Genetics Tuebingen
Classification: Likely pathogenic. Last evaluated: 2024-04-01. Review status: criteria provided, single submitter. Criteria: CeGaT Center For Human Genetics Tuebingen Variant Classification Criteria Version 2. Collection method: clinical testing. Allele origin: germline. Affected: yes. Observed: 1 variant allele.
Comment: PMS2: PVS1:Strong, PM2

GeneDx
Classification: Likely pathogenic. Last evaluated: 2024-01-18. Review status: criteria provided, single submitter. Criteria: GeneDx Variant Classification Process June 2021. Collection method: clinical testing. Allele origin: germline. Affected: yes.
Comment: Canonical splice site variant predicted to result in an in-frame loss of the adjacent exon in a gene for which loss of function is a known mechanism of disease; Has not been previously published as pathogenic or benign to our knowledge; Not observed at significant frequency in large population cohorts (gnomAD); This variant is associated with the following publications: (PMID: 11574484)

Myriad Genetics, Inc.
Classification: Likely pathogenic for Lynch syndrome 4. Last evaluated: 2023-09-19. Review status: criteria provided, single submitter. Criteria: Myriad Autosomal Dominant, Autosomal Recessive and X-Linked Classification Criteria (2023). Collection method: clinical testing. Allele origin: unknown.
Comment: This variant is considered likely pathogenic. This variant occurs within a consensus splice junction and is predicted to result in abnormal mRNA splicing of either an out-of-frame exon or an in-frame exon necessary for protein stability and/or normal function.

Labcorp Genetics (formerly Invitae), Labcorp
Classification: Pathogenic for Hereditary nonpolyposis colorectal neoplasms. Last evaluated: 2022-11-15. Review status: criteria provided, single submitter. Criteria: Invitae Variant Classification Sherloc (09022015). Collection method: clinical testing. Allele origin: germline.
Comment: Disruption of this splice site has been observed in individual(s) with constitutional mismatch repair deficiency syndrome (PMID: 24440087). In at least one individual the data is consistent with being in trans (on the opposite chromosome) from a pathogenic variant. This variant is not present in population databases (gnomAD no frequency). This sequence change affects an acceptor splice site in intron 5 of the PMS2 gene. It is expected to disrupt RNA splicing. Variants that disrupt the donor or acceptor splice site typically lead to a loss of protein function (PMID: 16199547), and loss-of-function variants in PMS2 are known to be pathogenic (PMID: 21376568, 24362816). For these reasons, this variant has been classified as Pathogenic. Algorithms developed to predict the effect of sequence changes on RNA splicing suggest that this variant may disrupt the consensus splice site. ClinVar contains an entry for this variant (Variation ID: 948334).

MGZ Medical Genetics Center
Classification: Likely pathogenic for Lynch syndrome 4. Last evaluated: 2021-07-19. Review status: criteria provided, single submitter. Criteria: ACMG Guidelines, 2015. Collection method: clinical testing. Allele origin: germline. Affected: yes. Observed: 1 variant allele.
Comment: ACMG criteria applied: PVS1, PM2_SUP

Literature cited by the submitters: PubMed 24440087 (cited by Labcorp Genetics (formerly Invitae), Labcorp); PubMed 16199547 (cited by Labcorp Genetics (formerly Invitae), Labcorp); PubMed 21376568 (cited by Labcorp Genetics (formerly Invitae), Labcorp); PubMed 24362816 (cited by Labcorp Genetics (formerly Invitae), Labcorp).